The following is an entry in ClinVar:

NM_000038.6(APC):c.841dup (p.Thr281fs)

Gene: APC (APC regulator of Wnt signaling pathway; plus strand). Cytogenetic location: 5q22.2.
Variant type: Duplication.
Coding change: c.841dup on transcript NM_000038.6 (MANE Select); coding-DNA position 841, one base duplicated (A; older notation c.841dupA).
Protein change: p.Thr281fs; shifts the reading frame from threonine 281.
Molecular consequence: frameshift variant. On other transcripts: 5 prime UTR variant (1).
Genome position (GRCh38, 1-based): chr5:112,815,501, A duplicated; the last of 2 consecutive A bases (chr5:112,815,500-112,815,501); duplicating either gives the same sequence. VCF-style (leftmost placement, unchanged base first): chr5-112815499-C-CA. GRCh37 (hg19) VCF-style: chr5-112151196-C-CA.
Other names: c.841dup, p.Thr281fs (NM_001354895.2, NM_001127510.3, NM_001354896.2 and 1 more transcripts); c.871dup, p.Thr291fs (NM_001354897.2, NM_001354902.2); c.787dup, p.Thr263fs (NM_001127511.3); c.766dup, p.Thr256fs (NM_001354898.2, NM_001354904.2); c.757dup, p.Thr253fs (NM_001354899.2); c.664dup, p.Thr222fs (NM_001354900.2, NM_001354901.2, NM_001354905.2); c.-9dup (NM_001354906.2); short protein forms T222fs, T253fs, T256fs, T263fs, T281fs, T291fs.
Identifiers: ClinVar variation 1050064 (VCV001050064.2), dbSNP rs2149762397, ClinGen allele CA2499217443.

ClinVar aggregate classification (germline): Pathogenic. Review status: criteria provided, single submitter (1 of 4 stars). 2 submissions from 2 submitters: Pathogenic (1). 1 of the submissions does not count toward it. Last evaluated 2023-04-27.

Conditions:
Familial adenomatous polyposis 1 (FAP1). Also called: POLYPOSIS, ADENOMATOUS INTESTINAL; FAMILIAL ADENOMATOUS POLYPOSIS 1, ATTENUATED. Identifiers: MedGen C2713442, MONDO:0021056, OMIM 175100. Disease mechanism: loss of function.

Submissions (2):

Myriad Genetics, Inc.
Classification: Pathogenic for Familial adenomatous polyposis 1. Last evaluated: 2023-04-27. Review status: criteria provided, single submitter. Criteria: Myriad Autosomal Dominant, Autosomal Recessive and X-Linked Classification Criteria (2023). Collection method: clinical testing. Allele origin: unknown.
Comment: This variant is considered pathogenic. This variant creates a frameshift predicted to result in premature protein truncation.

Department of Pathology and Laboratory Medicine, Sinai Health System
Classification: Uncertain significance. Review status: no assertion criteria provided. Collection method: clinical testing. Allele origin: unknown. Affected: yes. Study: The Canadian Open Genetics Repository (COGR). Not counted in ClinVar's aggregate classification.